The following is an entry in ClinVar:

NM_001958.5(EEF1A2):c.532A>T (p.Ile178Phe)

Genes: EEF1A2 (eukaryotic translation elongation factor 1 alpha 2; minus strand), LOC132090595 (Neanderthal introgressed variant-containing enhancer experimental_60987; plus strand). Cytogenetic location: 20q13.33.
Variant type: single nucleotide variant.
Coding change: c.532A>T on transcript NM_001958.5 (MANE Select); coding-DNA position 532, A replaced by T.
Protein change: p.Ile178Phe; replaces isoleucine 178 with phenylalanine.
Molecular consequence: missense variant.
Genome position (GRCh38, 1-based): chr20:63,494,894, T>A on the plus strand (A>T on the coding strand, the complement: EEF1A2 is on the minus strand). VCF-style: chr20-63494894-T-A. GRCh37 (hg19) VCF-style: chr20-62126247-T-A.
Other names: short protein forms I178F.
Identifiers: ClinVar variation 625937 (VCV000625937.3), dbSNP rs765056369, ClinGen allele CA409649447.

ClinVar aggregate classification (germline): Uncertain significance (1 of 4 stars; one submission).

Conditions:
Intellectual developmental disorder, autosomal dominant 38. Also called: PSYCHOMOTOR RETARDATION, EPILEPSY, AND LANGUAGE DISABILITY SYNDROME; Intellectual disability, autosomal dominant 38. Identifiers: MedGen C4225343, MONDO:0014617, OMIM 616393.
Developmental and epileptic encephalopathy, 33 (DEE33). Also called: Epileptic encephalopathy, early infantile, 33. Identifiers: Orphanet 442835, MedGen C4225337, MONDO:0014625, OMIM 616409.

Submission:

Center for Genomics, Ann and Robert H. Lurie Children's Hospital of Chicago
Classification: Uncertain significance for Developmental and epileptic encephalopathy, 33; Intellectual developmental disorder, autosomal dominant 38. Review status: criteria provided, single submitter. Criteria: ACMG Guidelines, 2015. Collection method: clinical testing. Allele origin: germline.
Comment: EEF1A2 NM_001958 exon 4 p.Ile178Phe (c.532A>T): This variant has not been reported in the literature and is not present in large control databases. Evolutionary conservation and computational predictive tools suggest that this variant may impact the protein. In summary, data on this variant is insufficient for disease classification. Therefore, the clinical significance of this variant is uncertain.